The following is an entry in ClinVar:

ClinVar aggregate classification (germline): Uncertain significance (1 of 4 stars; one submission).

Allele frequency attached by ClinVar (database versions not stated): gnomAD 0.00001; gnomAD exomes 0.00001; ExAC 0.00024.
gnomAD v4.1: 26 of 1,548,418 alleles (0.0017%); highest among the groups gnomAD compares: Middle Eastern, 0.13%; no homozygotes.

Submission:

Ambry Genetics
Classification: Uncertain significance. Last evaluated: 2026-01-09. Review status: criteria provided, single submitter. Criteria: Ambry Variant Classification Scheme 2023. Collection method: clinical testing. Allele origin: germline.
Comment: The c.10525C>T (p.L3509F) alteration is located in exon 64 (coding exon 63) of the DNAH6 gene. This alteration results from a C to T substitution at nucleotide position 10525, causing the leucine (L) at amino acid position 3509 to be replaced by a phenylalanine (F). Based on data from gnomAD, the T allele has an overall frequency of 0.005% (9/185084) total alleles studied. The highest observed frequency was 0.037% (2/5398) of Other alleles. Based on insufficient or conflicting evidence, the clinical significance of this alteration remains unclear.

NM_001370.2(DNAH6):c.10525C>T (p.Leu3509Phe)

Gene: DNAH6 (dynein axonemal heavy chain 6; plus strand). Cytogenetic location: 2p11.2.
Variant type: single nucleotide variant.
Coding change: c.10525C>T on transcript NM_001370.2 (MANE Select); coding-DNA position 10525, C replaced by T.
Protein change: p.Leu3509Phe; replaces leucine 3509 with phenylalanine.
Molecular consequence: missense variant.
Genome position (GRCh38, 1-based): chr2:84,762,767, C>T. VCF-style: chr2-84762767-C-T. GRCh37 (hg19) VCF-style: chr2-84989891-C-T.
Other names: short protein forms L3509F.
Identifiers: ClinVar variation 2349784 (VCV002349784.3), dbSNP rs749987856, ClinGen allele CA1737705.